The following is an entry in ClinVar:

ClinVar aggregate classification (germline): Uncertain significance (1 of 4 stars; one submission).

Conditions:
Marfan syndrome (MFS). Also called: FBN1-Related Marfan Syndrome; MARFAN SYNDROME, TYPE I; Marfan syndrome type 1; Marfan's syndrome; Marfan syndrome, classic. Identifiers: Orphanet 284963, Orphanet 558, MedGen C0024796, MONDO:0007947, OMIM 154700.
Familial thoracic aortic aneurysm and aortic dissection (TAAD). Also called: Thoracic aortic aneurysms and dissections. Identifiers: Orphanet 91387, MedGen C4707243, MONDO:0019625.

Submission:

Labcorp Genetics (formerly Invitae), Labcorp
Classification: Uncertain significance for Marfan syndrome; Familial thoracic aortic aneurysm and aortic dissection. Last evaluated: 2025-07-20. Review status: criteria provided, single submitter. Criteria: Invitae Variant Classification Sherloc (09022015). Collection method: clinical testing. Allele origin: germline.
Comment: This sequence change replaces threonine, which is neutral and polar, with serine, which is neutral and polar, at codon 1295 of the FBN1 protein (p.Thr1295Ser). This variant is not present in population databases (gnomAD no frequency). This variant has not been reported in the literature in individuals affected with FBN1-related conditions. Invitae Evidence Modeling of protein sequence and biophysical properties (such as structural, functional, and spatial information, amino acid conservation, physicochemical variation, residue mobility, and thermodynamic stability) indicates that this missense variant is not expected to disrupt FBN1 protein function with a negative predictive value of 95%. In summary, the available evidence is currently insufficient to determine the role of this variant in disease. Therefore, it has been classified as a Variant of Uncertain Significance.

NM_000138.5(FBN1):c.3883A>T (p.Thr1295Ser)

Gene: FBN1 (fibrillin 1; minus strand). Cytogenetic location: 15q21.1.
Variant type: single nucleotide variant.
Coding change: c.3883A>T on transcript NM_000138.5 (MANE Select); coding-DNA position 3883, A replaced by T.
Protein change: p.Thr1295Ser; replaces threonine 1295 with serine.
Molecular consequence: missense variant.
Genome position (GRCh38, 1-based): chr15:48,481,736, T>A on the plus strand (A>T on the coding strand, the complement: FBN1 is on the minus strand). VCF-style: chr15-48481736-T-A. GRCh37 (hg19) VCF-style: chr15-48773933-T-A.
Other names: c.3883A>T, p.Thr1295Ser (NM_001406716.1); short protein forms T1295S.
Identifiers: ClinVar variation 4789655 (VCV004789655.1).
Genomic context (GRCh38, chr15:48,481,736, plus strand): 5'-TTTTGCCGGAGTAGCCCATATCACAGTGGCAGATAAATGAGCCTTTCGTGTTTTCACAGG[T>A]CCCACTTAGGCAGATATTTGGATTCAGGTCACACTCATTGACATCTGTAAAACATATATA-3'
Protein context (NP_000129.3, residues 1285-1305): DLNPNICLSG[Thr1295Ser]CENTKGSFIC